The following is an entry in ClinVar:

ClinVar aggregate classification (germline): Likely benign. Review status: criteria provided, multiple submitters, no conflicts (2 of 4 stars). 6 submissions from 6 submitters: Likely benign (6). Last evaluated 2026-06-05.

Conditions:
FLNC-related disorder. Also called: FLNC-related condition; FLNC-related disorders.
Cardiovascular phenotype. Identifiers: MedGen CN230736.
Hypertrophic cardiomyopathy 26. Also called: Cardiomyopathy, familial hypertrophic, 26. Identifiers: Orphanet 75249, MedGen C4310749, MONDO:0014883, OMIM 617047.
Myofibrillar myopathy 5. Also called: Filaminopathy (type); FILAMINOPATHY, AUTOSOMAL DOMINANT. Identifiers: Orphanet 171445, MedGen C1836050, MONDO:0012289, OMIM 609524.
Distal myopathy with posterior leg and anterior hand involvement. Also called: WILLIAMS DISTAL MYOPATHY. Identifiers: Orphanet 63273, MedGen C3279722, MONDO:0013550, OMIM 614065.

Allele frequency attached by ClinVar (database versions not stated): ExAC 0.00007; ESP Exome Variant Server 0.00008; gnomAD exomes 0.00008; gnomAD 0.00016 and 0.00017; TOPMed 0.00017; 1000 Genomes Project 0.00060; 1000 Genomes Project 30x 0.00062.
gnomAD v4.1: 157 of 1,613,914 alleles (0.0097%); highest among the groups gnomAD compares: African/African-American, 0.057%; 1 homozygote.

Submissions (6):

PreventionGenetics, part of Exact Sciences
Classification: Likely benign for FLNC-related condition. Last evaluated: 2026-06-05. Review status: criteria provided, single submitter. Criteria: ACMG Guidelines, 2015. Collection method: clinical testing. Allele origin: germline.
Comment: This variant is classified as likely benign based on ACMG/AMP sequence variant interpretation guidelines (Richards et al. 2015 PMID: 25741868, with internal and published modifications).

Women's Health and Genetics/Laboratory Corporation of America, LabCorp
Classification: Likely benign. Last evaluated: 2026-06-01. Review status: criteria provided, single submitter. Criteria: LabCorp Variant Classification Summary - May 2015. Collection method: clinical testing. Allele origin: germline.
Comment: Variant summary: FLNC c.3449G>A (p.Arg1150Gln) results in a conservative amino acid change in the encoded protein sequence. Algorithms developed to predict the effect of missense changes on protein structure and function all suggest that this variant is likely to be tolerated. The variant allele was found at a frequency of 9.7e-05 across 1613914 control chromosomes, predominantly at a frequency of 0.00057 within the African or African-American subpopulation in the gnomAD database. The observed variant frequency within African or African-American control individuals in the gnomAD database exceeds the estimated maximal expected allele frequency for disease-causing variants in FLNC. c.3449G>A has been observed in at least one individual affected with FLNC-related conditions (e.g. Oktay_2023, Cui_2018) without strong evidence for causality. These report(s) do not provide unequivocal conclusions about association of the variant with disease. To our knowledge, no experimental evidence demonstrating an impact on protein function has been reported. The following publications have been ascertained in the context of this evaluation (PMID: 30411535, 37466024, 31127727). ClinVar contains an entry for this variant (Variation ID: 835883). Based on the evidence outlined above, the variant was classified as likely benign.

Labcorp Genetics (formerly Invitae), Labcorp
Classification: Likely benign for Distal myopathy with posterior leg and anterior hand involvement; Myofibrillar myopathy 5; Hypertrophic cardiomyopathy 26. Last evaluated: 2026-02-01. Review status: criteria provided, single submitter. Criteria: Invitae Variant Classification Sherloc (09022015). Collection method: clinical testing. Allele origin: germline.

Revvity Omics, Revvity
Classification: Likely benign. Last evaluated: 2023-03-23. Review status: criteria provided, single submitter. Criteria: ACMG Guidelines, 2015. Collection method: clinical testing. Allele origin: germline.

Ambry Genetics
Classification: Likely benign for Cardiovascular phenotype. Last evaluated: 2022-08-11. Review status: criteria provided, single submitter. Criteria: Ambry Variant Classification Scheme 2023. Collection method: clinical testing. Allele origin: germline.

GeneDx
Classification: Likely benign. Last evaluated: 2020-12-15. Review status: criteria provided, single submitter. Criteria: GeneDx Variant Classification Process June 2021. Collection method: clinical testing. Allele origin: germline. Affected: yes.
Comment: In silico analysis supports that this missense variant does not alter protein structure/function; This variant is associated with the following publications: (PMID: 30411535)

Literature cited by the submitters: PubMed 31127727 (cited by Women's Health and Genetics/Laboratory Corporation of America, LabCorp); PubMed 37466024 (cited by Women's Health and Genetics/Laboratory Corporation of America, LabCorp); PubMed 30411535 (cited by Women's Health and Genetics/Laboratory Corporation of America, LabCorp and Ambry Genetics).

NM_001458.5(FLNC):c.3449G>A (p.Arg1150Gln)

Gene: FLNC (filamin C; plus strand). Cytogenetic location: 7q32.1.
Variant type: single nucleotide variant.
Coding change: c.3449G>A on transcript NM_001458.5 (MANE Select); coding-DNA position 3449, G replaced by A.
Protein change: p.Arg1150Gln; replaces arginine 1150 with glutamine.
Molecular consequence: missense variant.
Genome position (GRCh38, 1-based): chr7:128,844,914, G>A. VCF-style: chr7-128844914-G-A. GRCh37 (hg19) VCF-style: chr7-128484968-G-A.
Other names: c.3449G>A, p.Arg1150Gln (NM_001127487.2); short protein forms R1150Q.
Identifiers: ClinVar variation 835883 (VCV000835883.20), dbSNP rs371372377, ClinGen allele CA4475043.
Genomic context (GRCh38, chr7:128,844,914, plus strand): 5'-CCATCAACATCCTGTTTGCTGAGGCCCACATCCCTGGCTCGCCCTTCAAAGCCACCATTC[G>A]GCCTGTGTTTGACCCGAGCAAGGTGCGGGCCAGTGGACCGGGCCTGGAGCGCGGCAAGGT-3'
Protein context (NP_001449.3, residues 1140-1160): IPGSPFKATI[Arg1150Gln]PVFDPSKVRA